The following is an entry in ClinVar:

NM_005228.5(EGFR):c.1605C>T (p.Cys535=)

Gene: EGFR (epidermal growth factor receptor; plus strand). Cytogenetic location: 7p11.2.
Variant type: single nucleotide variant.
Coding change: c.1605C>T on transcript NM_005228.5 (MANE Select); coding-DNA position 1605, C replaced by T.
Protein change: p.Cys535=; no amino-acid change (cysteine 535 retained).
Molecular consequence: synonymous variant.
Genome position (GRCh38, 1-based): chr7:55,161,605, C>T. VCF-style: chr7-55161605-C-T. GRCh37 (hg19) VCF-style: chr7-55229298-C-T.
Other names: c.1605C>T (NM_005228.3); c.1470C>T, p.Cys490= (NM_001346897.2, NM_001346899.2); c.1605C>T, p.Cys535= (NM_001346898.2, NM_201282.2, NM_201284.2); c.1446C>T, p.Cys482= (NM_001346900.2); c.804C>T, p.Cys268= (NM_001346941.2).
Identifiers: ClinVar variation 1597772 (VCV001597772.11), dbSNP rs763346690, ClinGen allele CA4265624.

ClinVar aggregate classification (germline): Conflicting classifications of pathogenicity. Review status: criteria provided, conflicting classifications (1 of 4 stars). 3 submissions from 3 submitters: Uncertain significance (1); Likely benign (2). Last evaluated 2026-03-01.

Conditions:
Hereditary cancer-predisposing syndrome. Also called: Neoplastic Syndromes, Hereditary; Hereditary neoplastic syndrome; Tumor predisposition; Hereditary Cancer Syndrome. Identifiers: Orphanet 140162, MedGen C0027672, MeSH D009386, MONDO:0015356.
EGFR-related lung cancer (EGFR). Identifiers: MedGen CN130014.

Allele frequency attached by ClinVar (database versions not stated): gnomAD 0.00001; gnomAD exomes 0.00001 and below 0.00001; TOPMed 0.00001; ExAC 0.00002.
gnomAD v4.1: 9 of 1,614,154 alleles (0.00056%); highest among the groups gnomAD compares: South Asian, 0.0066%; no homozygotes.

Submissions (3):

CeGaT Center for Human Genetics Tuebingen
Classification: Likely benign. Last evaluated: 2026-03-01. Review status: criteria provided, single submitter. Criteria: CeGaT Center For Human Genetics Tuebingen Variant Classification Criteria Version 2. Collection method: clinical testing. Allele origin: germline. Affected: yes. Observed: 1 variant allele.
Comment: EGFR: BP4, BP7

Labcorp Genetics (formerly Invitae), Labcorp
Classification: Likely benign for EGFR-related lung cancer. Last evaluated: 2025-05-19. Review status: criteria provided, single submitter. Criteria: Invitae Variant Classification Sherloc (09022015). Collection method: clinical testing. Allele origin: germline.

Ambry Genetics
Classification: Uncertain significance for Hereditary cancer-predisposing syndrome. Last evaluated: 2025-01-14. Review status: criteria provided, single submitter. Criteria: Ambry Variant Classification Scheme 2023. Collection method: clinical testing. Allele origin: germline.
Comment: The c.1605C>T variant (also known as p.C535C), located in coding exon 13 of the EGFR gene, results from a C to T substitution at nucleotide position 1605. This nucleotide substitution does not change the cysteine at codon 535. This nucleotide position is poorly conserved in available vertebrate species. In silico splice site analysis for this alteration is inconclusive. Based on the available evidence, the clinical significance of this variant remains unclear.